The following is an entry in ClinVar:

ClinVar aggregate classification (germline): Likely benign (0 of 4 stars; one submission).

Conditions:
MYO5A-related disorder. Also called: MYO5A-related condition.

Allele frequency attached by ClinVar (database versions not stated): gnomAD 0.00001; gnomAD exomes 0.00001; ExAC 0.00002.
gnomAD v4.1: 18 of 1,613,594 alleles (0.0011%); highest among the groups gnomAD compares: African/African-American, 0.004%; no homozygotes.

Submission:

PreventionGenetics, part of Exact Sciences
Classification: Likely benign for MYO5A-related condition. Last evaluated: 2023-11-22. Review status: no assertion criteria provided. Collection method: clinical testing. Allele origin: germline.
Comment: This variant is classified as likely benign based on ACMG/AMP sequence variant interpretation guidelines (Richards et al. 2015 PMID: 25741868, with internal and published modifications).

NM_001382347.1(MYO5A):c.3192G>A (p.Thr1064=)

Gene: MYO5A (myosin VA; minus strand). Cytogenetic location: 15q21.2.
Variant type: single nucleotide variant.
Coding change: c.3192G>A on transcript NM_001382347.1 (MANE Select); coding-DNA position 3192, G replaced by A.
Protein change: p.Thr1064=; no amino-acid change (threonine 1064 retained).
Molecular consequence: synonymous variant.
Genome position (GRCh38, 1-based): chr15:52,364,671, C>T on the plus strand (G>A on the coding strand, the complement: MYO5A is on the minus strand). VCF-style: chr15-52364671-C-T. GRCh37 (hg19) VCF-style: chr15-52656868-C-T.
Other names: c.3192G>A, p.Thr1064= (NM_000259.3, NM_001142495.2, NM_001411135.1); c.3264G>A, p.Thr1088= (NM_001382348.1, NM_001382349.1).
Identifiers: ClinVar variation 3050475 (VCV003050475.2), dbSNP rs769898622, ClinGen allele CA7568486.